The following is an entry in ClinVar:

ClinVar aggregate classification (germline): Benign/Likely benign. Review status: criteria provided, multiple submitters, no conflicts (2 of 4 stars). 6 submissions from 6 submitters: Benign (5); Likely benign (1). Last evaluated 2026-02-01.

Conditions:
Cardiac arrhythmia. Also called: Arrhythmia; Cardiac rhythm disease. Identifiers: MedGen C0003811, MONDO:0007263, HP:0011675.
Long QT syndrome (LQTS). Identifiers: MedGen C0023976, MeSH D008133, MONDO:0002442. Disease mechanism: loss of function. Inheritance: Various modes of inheritance.

Allele frequency attached by ClinVar (database versions not stated): 1000 Genomes Project 0.00220; gnomAD 0.00231 and 0.00256; ESP Exome Variant Server 0.00338; TOPMed 0.00284; ExAC 0.00075.
gnomAD v4.1: 702 of 1,583,222 alleles (0.044%); highest among the groups gnomAD compares: African/African-American, 0.87%; 2 homozygotes.

Submissions (6):

Labcorp Genetics (formerly Invitae), Labcorp
Classification: Benign for Long QT syndrome. Last evaluated: 2026-02-01. Review status: criteria provided, single submitter. Criteria: Invitae Variant Classification Sherloc (09022015). Collection method: clinical testing. Allele origin: germline.

Blueprint Genetics
Classification: Likely benign. Last evaluated: 2024-11-25. Review status: criteria provided, single submitter. Criteria: ACMG Guidelines, 2015. Collection method: clinical testing. Allele origin: germline.

Women's Health and Genetics/Laboratory Corporation of America, LabCorp
Classification: Benign. Last evaluated: 2024-02-05. Review status: criteria provided, single submitter. Criteria: LabCorp Variant Classification Summary - May 2015. Collection method: clinical testing. Allele origin: germline.

ARUP Laboratories, Molecular Genetics and Genomics, ARUP Laboratories
Classification: Benign. Last evaluated: 2023-01-03. Review status: criteria provided, single submitter. Criteria: ARUP Molecular Germline Variant Investigation Process 2024. Collection method: clinical testing. Allele origin: germline.

Color Diagnostics, LLC DBA Color Health
Classification: Benign for Arrhythmia. Last evaluated: 2018-11-16. Review status: criteria provided, single submitter. Criteria: ACMG Guidelines, 2015. Collection method: clinical testing. Allele origin: germline.

GeneDx
Classification: Benign. Last evaluated: 2013-10-29. Review status: criteria provided, single submitter. Criteria: GeneDx Variant Classification (06012015). Collection method: clinical testing. Allele origin: germline. Affected: yes.
Comment: This variant is considered likely benign or benign based on one or more of the following criteria: it is a conservative change, it occurs at a poorly conserved position in the protein, it is predicted to be benign by multiple in silico algorithms, and/or has population frequency not consistent with disease.

NM_000238.4(KCNH2):c.3153-15C>T

Gene: KCNH2 (potassium voltage-gated channel subfamily H member 2; minus strand). Cytogenetic location: 7q36.1.
Variant type: single nucleotide variant.
Coding change: c.3153-15C>T on transcript NM_000238.4 (MANE Select); 15 bases into the intron before coding-DNA position 3153, C replaced by T.
Molecular consequence: intron variant.
Genome position (GRCh38, 1-based): chr7:150,947,069, G>A on the plus strand (C>T on the coding strand, the complement: KCNH2 is on the minus strand). VCF-style: chr7-150947069-G-A. GRCh37 (hg19) VCF-style: chr7-150644157-G-A.
Other names: c.2865-15C>T (NM_001406753.1); c.2133-15C>T (NM_172057.3).
Identifiers: ClinVar variation 200257 (VCV000200257.14), dbSNP rs41313755, ClinGen allele CA008054.